The following is an entry in ClinVar:

ClinVar aggregate classification (germline): Benign. Review status: criteria provided, multiple submitters, no conflicts (2 of 4 stars). 4 submissions from 4 submitters: Benign (4). Last evaluated 2026-02-04.

Conditions:
Pontocerebellar hypoplasia type 2E. Identifiers: Orphanet 247198, MedGen C4014488, MONDO:0014370, OMIM 615851.

Allele frequency attached by ClinVar (database versions not stated): 1000 Genomes Project 30x 0.14225; 1000 Genomes Project 0.14537; gnomAD 0.16882; TOPMed 0.17455; ESP Exome Variant Server 0.18245; gnomAD exomes 0.22962.
gnomAD v4.1: 361,402 of 1,611,150 alleles (22%); highest among the groups gnomAD compares: Middle Eastern, 28%; 43,489 homozygotes.

Submissions (4):

Labcorp Genetics (formerly Invitae), Labcorp
Classification: Benign. Last evaluated: 2026-02-04. Review status: criteria provided, single submitter. Criteria: Invitae Variant Classification Sherloc (09022015). Collection method: clinical testing. Allele origin: germline.

Genome-Nilou Lab
Classification: Benign for Pontocerebellar hypoplasia type 2E. Last evaluated: 2021-12-05. Review status: criteria provided, single submitter. Criteria: ACMG Guidelines, 2015. Collection method: clinical testing. Allele origin: germline. Affected: no.

GeneDx
Classification: Benign. Last evaluated: 2016-02-11. Review status: criteria provided, single submitter. Criteria: GeneDx Variant Classification (06012015). Collection method: clinical testing. Allele origin: germline. Affected: yes.
Comment: This variant is considered likely benign or benign based on one or more of the following criteria: it is a conservative change, it occurs at a poorly conserved position in the protein, it is predicted to be benign by multiple in silico algorithms, and/or has population frequency not consistent with disease.

Breakthrough Genomics
Classification: Benign. Review status: criteria provided, single submitter. Criteria: ACMG Guidelines, 2015. Collection method: not provided. Allele origin: germline. Inheritance: Autosomal recessive inheritance. Affected: yes.

NM_001128159.3(VPS53):c.81C>T (p.Ile27=)

Gene: VPS53 (VPS53 subunit of GARP complex; minus strand). Cytogenetic location: 17p13.3.
Variant type: single nucleotide variant.
Coding change: c.81C>T on transcript NM_001128159.3 (MANE Select); coding-DNA position 81, C replaced by T.
Protein change: p.Ile27=; no amino-acid change (isoleucine 27 retained).
Molecular consequence: synonymous variant. On other transcripts: 5 prime UTR variant (1).
Genome position (GRCh38, 1-based): chr17:714,629, G>A on the plus strand (C>T on the coding strand, the complement: VPS53 is on the minus strand). VCF-style: chr17-714629-G-A. GRCh37 (hg19) VCF-style: chr17-617869-G-A.
Other names: c.81C>T, p.Ile27= (NM_001366253.2, NM_018289.4); c.-612C>T (NM_001366254.2).
Identifiers: ClinVar variation 380894 (VCV000380894.8), dbSNP rs11558129, ClinGen allele CA8261906.